The following is an entry in ClinVar:

ClinVar aggregate classification (germline): Uncertain significance. Review status: criteria provided, multiple submitters, no conflicts (2 of 4 stars). 3 submissions from 3 submitters: Uncertain significance (3). Last evaluated 2023-12-05.

Conditions:
Hereditary cancer-predisposing syndrome. Also called: Tumor predisposition; Neoplastic Syndromes, Hereditary; Hereditary neoplastic syndrome; Hereditary Cancer Syndrome. Identifiers: Orphanet 140162, MedGen C0027672, MeSH D009386, MONDO:0015356.

Allele frequency attached by ClinVar (database versions not stated): gnomAD exomes below 0.00001.

Submissions (3):

Color Diagnostics, LLC DBA Color Health
Classification: Uncertain significance for Hereditary cancer-predisposing syndrome. Last evaluated: 2023-12-05. Review status: criteria provided, single submitter. Criteria: ACMG Guidelines, 2015. Collection method: clinical testing. Allele origin: germline.
Comment: This missense variant replaces lysine with asparagine at codon 1168 of the BRIP1 protein. Computational prediction suggests that this variant may not impact protein structure and function (internally defined REVEL score threshold <= 0.5, PMID: 27666373). To our knowledge, functional studies have not been reported for this variant. This variant has not been reported in individuals affected with BRIP1-related disorders in the literature. This variant has been identified in 1/250532 chromosomes in the general population by the Genome Aggregation Database (gnomAD). The available evidence is insufficient to determine the role of this variant in disease conclusively. Therefore, this variant is classified as a Variant of Uncertain Significance.

Blueprint Genetics
Classification: Uncertain significance. Last evaluated: 2022-09-09. Review status: criteria provided, single submitter. Criteria: ACMG Guidelines, 2015. Collection method: clinical testing. Allele origin: germline.

Ambry Genetics
Classification: Uncertain significance for Hereditary cancer-predisposing syndrome. Last evaluated: 2022-08-17. Review status: criteria provided, single submitter. Criteria: Ambry Variant Classification Scheme 2023. Collection method: clinical testing. Allele origin: germline.
Comment: The p.K1168N variant (also known as c.3504A>C), located in coding exon 19 of the BRIP1 gene, results from an A to C substitution at nucleotide position 3504. The lysine at codon 1168 is replaced by asparagine, an amino acid with similar properties. This amino acid position is conserved. In addition, this alteration is predicted to be tolerated by in silico analysis. Since supporting evidence is limited at this time, the clinical significance of this alteration remains unclear.

NM_032043.3(BRIP1):c.3504A>C (p.Lys1168Asn)

Gene: BRIP1 (BRCA1 interacting DNA helicase 1; minus strand). Cytogenetic location: 17q23.2.
Variant type: single nucleotide variant.
Coding change: c.3504A>C on transcript NM_032043.3 (MANE Select); coding-DNA position 3504, A replaced by C.
Protein change: p.Lys1168Asn; replaces lysine 1168 with asparagine.
Molecular consequence: missense variant.
Genome position (GRCh38, 1-based): chr17:61,683,542, T>G on the plus strand (A>C on the coding strand, the complement: BRIP1 is on the minus strand). VCF-style: chr17-61683542-T-G. GRCh37 (hg19) VCF-style: chr17-59760903-T-G.
Other names: short protein forms K1168N.
Identifiers: ClinVar variation 925662 (VCV000925662.7), dbSNP rs1259866317, ClinGen allele CA400478507.